The following is an entry in ClinVar:

NM_005529.7(HSPG2):c.3056C>T (p.Pro1019Leu)

Gene: HSPG2 (heparan sulfate proteoglycan 2; minus strand). Cytogenetic location: 1p36.12.
Variant type: single nucleotide variant.
Coding change: c.3056C>T on transcript NM_005529.7 (MANE Select); coding-DNA position 3056, C replaced by T.
Protein change: p.Pro1019Leu; replaces proline 1019 with leucine.
Molecular consequence: missense variant.
Genome position (GRCh38, 1-based): chr1:21,875,990, G>A on the plus strand (C>T on the coding strand, the complement: HSPG2 is on the minus strand). VCF-style: chr1-21875990-G-A. GRCh37 (hg19) VCF-style: chr1-22202483-G-A.
Other names: c.3059C>T, p.Pro1020Leu (NM_001291860.2); short protein forms P1019L, P1020L.
Identifiers: ClinVar variation 195825 (VCV000195825.60), dbSNP rs62642528, ClinGen allele CA201954.

ClinVar aggregate classification (germline): Benign/Likely benign. Review status: criteria provided, multiple submitters, no conflicts (2 of 4 stars). 12 submissions from 12 submitters: Benign (7); Likely benign (5). Last evaluated 2026-09-01.

Conditions:
Connective tissue disorder. Also called: Connective tissue disease. Identifiers: MedGen C0009782, MONDO:0003900.
Schwartz-Jampel syndrome. Also called: Myotonic myopathy dwarfism chondrodystrophy and ocular and facial abnormalities. Identifiers: Orphanet 800, MedGen C0036391, MONDO:0009717.

Allele frequency attached by ClinVar (database versions not stated): 1000 Genomes Project 0.00260; 1000 Genomes Project 30x 0.00312; gnomAD 0.00609 and 0.00626; ExAC 0.00648; TOPMed 0.00649; gnomAD exomes 0.00656 and 0.00986; ESP Exome Variant Server 0.00992.
gnomAD v4.1: 15,186 of 1,614,176 alleles (0.94%); highest among the groups gnomAD compares: Middle Eastern, 2.3%; 103 homozygotes.

Submissions (12):

CeGaT Center for Human Genetics Tuebingen
Classification: Likely benign. Last evaluated: 2026-09-01. Review status: criteria provided, single submitter. Criteria: CeGaT Center For Human Genetics Tuebingen Variant Classification Criteria Version 2. Collection method: clinical testing. Allele origin: germline. Affected: yes. Observed: 32 variant alleles.
Comment: HSPG2: BP4

Labcorp Genetics (formerly Invitae), Labcorp
Classification: Benign. Last evaluated: 2026-02-01. Review status: criteria provided, single submitter. Criteria: Invitae Variant Classification Sherloc (09022015). Collection method: clinical testing. Allele origin: germline.

Genomic Medicine Center of Excellence, King Faisal Specialist Hospital and Research Centre
Classification: Likely benign. Last evaluated: 2025-08-18. Review status: criteria provided, single submitter. Criteria: ACMG Guidelines, 2015. Collection method: clinical testing. Allele origin: germline.

ARUP Laboratories, Molecular Genetics and Genomics, ARUP Laboratories
Classification: Benign. Last evaluated: 2024-07-02. Review status: criteria provided, single submitter. Criteria: ARUP Molecular Germline Variant Investigation Process 2024. Collection method: clinical testing. Allele origin: germline.

Athena Diagnostics
Classification: Benign. Last evaluated: 2024-03-11. Review status: criteria provided, single submitter. Criteria: Athena Diagnostics Criteria. Collection method: clinical testing. Allele origin: unknown.

Genome Diagnostics Laboratory, The Hospital for Sick Children
Classification: Likely benign for Connective tissue disorder. Last evaluated: 2022-06-20. Review status: criteria provided, single submitter. Criteria: ACMG Guidelines, 2015. Collection method: clinical testing. Allele origin: germline.

Dubai Health Genomic Medicine Center, Dubai Health
Classification: Benign. Last evaluated: 2020-03-19. Review status: criteria provided, single submitter. Criteria: ACMG Guidelines, 2015. Collection method: clinical testing. Allele origin: germline. Affected: yes.

Mendelics
Classification: Benign for Schwartz-Jampel syndrome type 1. Last evaluated: 2019-05-28. Review status: criteria provided, single submitter. Criteria: Mendelics Assertion Criteria 2017. Collection method: clinical testing. Allele origin: unknown.

GeneDx
Classification: Benign. Last evaluated: 2018-12-03. Review status: criteria provided, single submitter. Criteria: GeneDx Variant Classification Process June 2021. Collection method: clinical testing. Allele origin: germline. Affected: yes.
Comment: This variant is associated with the following publications: (PMID: 21228398, 16927315, 27884173, 25504735, 30362252)

Illumina Laboratory Services, Illumina
Classification: Likely benign for Schwartz-Jampel syndrome type 1. Last evaluated: 2017-04-27. Review status: criteria provided, single submitter. Criteria: ICSL Variant Classification Criteria 13 December 2019. Collection method: clinical testing. Allele origin: germline.
Comment: This variant was observed as part of a predisposition screen in an ostensibly healthy population. A literature search was performed for the gene, cDNA change, and amino acid change (where applicable). Publications were found based on this search. The evidence from the literature, in combination with allele frequency data from public databases where available, was sufficient to determine this variant is unlikely to cause disease. Therefore, this variant is classified as likely benign.

Eurofins Ntd Llc (ga)
Classification: Benign. Last evaluated: 2015-04-09. Review status: criteria provided, single submitter. Criteria: EGL Classification Definitions 2015. Collection method: clinical testing. Allele origin: germline. Observed: 3 variant alleles, 3 heterozygotes.

Breakthrough Genomics
Classification: Likely benign. Review status: criteria provided, single submitter. Criteria: ACMG Guidelines, 2015. Collection method: not provided. Allele origin: germline. Inheritance: Autosomal recessive inheritance. Affected: yes.

Literature cited by the submitters: PubMed 16927315 (cited by Athena Diagnostics and Illumina Laboratory Services, Illumina); PubMed 21228398 (cited by Athena Diagnostics).